The following is an entry in ClinVar:

ClinVar aggregate classification (germline): Uncertain significance (1 of 4 stars; one submission).

Allele frequency attached by ClinVar (database versions not stated): gnomAD exomes below 0.00001; ExAC 0.00001.
gnomAD v4.1: 2 of 1,611,012 alleles (0.00012%); highest among the groups gnomAD compares: Middle Eastern, 0.017%; no homozygotes.

Submission:

Labcorp Genetics (formerly Invitae), Labcorp
Classification: Uncertain significance. Last evaluated: 2020-10-09. Review status: criteria provided, single submitter. Criteria: Invitae Variant Classification Sherloc (09022015). Collection method: clinical testing. Allele origin: germline.
Comment: In summary, the available evidence is currently insufficient to determine the role of this variant in disease. Therefore, it has been classified as a Variant of Uncertain Significance. This sequence change replaces aspartic acid with alanine at codon 638 of the AP3D1 protein (p.Asp638Ala). The aspartic acid residue is highly conserved and there is a moderate physicochemical difference between aspartic acid and alanine. This variant is present in population databases (rs772250918, ExAC 0.002%). This variant has not been reported in the literature in individuals with AP3D1-related conditions. Algorithms developed to predict the effect of missense changes on protein structure and function are either unavailable or do not agree on the potential impact of this missense change (SIFT: "Deleterious"; PolyPhen-2: "Benign"; Align-GVGD: "Class C0").

NM_001261826.3(AP3D1):c.1913A>C (p.Asp638Ala)

Gene: AP3D1 (adaptor related protein complex 3 subunit delta 1; minus strand). Cytogenetic location: 19p13.3.
Variant type: single nucleotide variant.
Coding change: c.1913A>C on transcript NM_001261826.3 (MANE Select); coding-DNA position 1913, A replaced by C.
Protein change: p.Asp638Ala; replaces aspartic acid 638 with alanine.
Molecular consequence: missense variant.
Genome position (GRCh38, 1-based): chr19:2,116,693, T>G on the plus strand (A>C on the coding strand, the complement: AP3D1 is on the minus strand). VCF-style: chr19-2116693-T-G. GRCh37 (hg19) VCF-style: chr19-2116692-T-G.
Other names: c.1913A>C, p.Asp638Ala (NM_001374799.1, NM_003938.8); short protein forms D638A.
Identifiers: ClinVar variation 1008179 (VCV001008179.8), dbSNP rs772250918, ClinGen allele CA9059126.